The following is an entry in ClinVar:

NC_000008.10:g.(?_82355633)_(82359621_?)dup

Gene: PMP2 (peripheral myelin protein 2; minus strand). Cytogenetic location: 8q21.13.
Variant type: Duplication.
Identifiers: ClinVar variation 1511946 (VCV001511946.3).

ClinVar aggregate classification (germline): Uncertain significance (1 of 4 stars; one submission).

Submission:

Labcorp Genetics (formerly Invitae), Labcorp
Classification: Uncertain significance. Last evaluated: 2023-12-20. Review status: criteria provided, single submitter. Criteria: Invitae Variant Classification Sherloc (09022015). Collection method: clinical testing. Allele origin: germline.
Comment: A copy number gain of the genomic region encompassing the full coding sequence of the PMP2 gene has been identified. The boundaries of this event are unknown as they extend beyond the assayed region for this gene and therefore may encompass additional genes. As the precise location of this event is unknown, it may be in tandem or it may be located elsewhere in the genome. This variant has not been reported in the literature in individuals affected with PMP2-related conditions. Experimental studies and prediction algorithms are not available or were not evaluated, and the functional significance of this variant is currently unknown. In summary, the available evidence is currently insufficient to determine the role of this variant in disease. Therefore, it has been classified as a Variant of Uncertain Significance.